The following is an entry in ClinVar:

ClinVar aggregate classification (germline): Benign (0 of 4 stars; one submission).

Conditions:
FAT3-related disorder. Also called: FAT3-related condition.

Allele frequency attached by ClinVar (database versions not stated): ExAC 0.04673; 1000 Genomes Project 0.05471; gnomAD exomes 0.05597; 1000 Genomes Project 30x 0.05996; gnomAD 0.07814; ESP Exome Variant Server 0.08121; TOPMed 0.08311.
gnomAD v4.1: 93,604 of 1,613,420 alleles (5.8%); highest among the groups gnomAD compares: African/African-American, 15%; 3,418 homozygotes.

Submission:

PreventionGenetics, part of Exact Sciences
Classification: Benign for FAT3-related condition. Last evaluated: 2019-12-09. Review status: no assertion criteria provided. Collection method: clinical testing. Allele origin: germline.
Comment: This variant is classified as benign based on ACMG/AMP sequence variant interpretation guidelines (Richards et al. 2015 PMID: 25741868, with internal and published modifications).

NM_001367949.2(FAT3):c.1235C>T (p.Ser412Phe)

Gene: FAT3 (FAT atypical cadherin 3; plus strand). Cytogenetic location: 11q14.3.
Variant type: single nucleotide variant.
Coding change: c.1235C>T on transcript NM_001367949.2 (MANE Select); coding-DNA position 1235, C replaced by T.
Protein change: p.Ser412Phe; replaces serine 412 with phenylalanine.
Molecular consequence: missense variant.
Genome position (GRCh38, 1-based): chr11:92,353,347, C>T. VCF-style: chr11-92353347-C-T. GRCh37 (hg19) VCF-style: chr11-92086513-C-T.
Other names: c.1235C>T, p.Ser412Phe (NM_001008781.3, NM_001378141.1); short protein forms S412F.
Identifiers: ClinVar variation 3055330 (VCV003055330.2), dbSNP rs10830902, ClinGen allele CA6226260.
Genomic context (GRCh38, chr11:92,353,347, plus strand): 5'-GTGTCGTGGTTGCTATAGTAAAATTAAGTCCTGAACCGATAGATGTGGAATACAAATTAT[C>T]TCCTGGTGAGGATGCAGTGTACTTTAAAATTAATCCTCGGTCGGGTCTGATTGTTACAGC-3'
Protein context (NP_001354878.1, residues 402-422): PEPIDVEYKL[Ser412Phe]PGEDAVYFKI